The following is an entry in ClinVar:

NM_198578.4(LRRK2):c.5473A>G (p.Ile1825Val)

Gene: LRRK2 (leucine rich repeat kinase 2; plus strand). Cytogenetic location: 12q12.
Variant type: single nucleotide variant.
Coding change: c.5473A>G on transcript NM_198578.4 (MANE Select); coding-DNA position 5473, A replaced by G.
Protein change: p.Ile1825Val; replaces isoleucine 1825 with valine.
Molecular consequence: missense variant.
Genome position (GRCh38, 1-based): chr12:40,322,474, A>G. VCF-style: chr12-40322474-A-G. GRCh37 (hg19) VCF-style: chr12-40716276-A-G.
Other names: short protein forms I1825V.
Identifiers: ClinVar variation 3291856 (VCV003291856.1).

ClinVar aggregate classification (germline): Uncertain significance (1 of 4 stars; one submission).

Conditions:
Inborn genetic diseases. Identifiers: MedGen C0950123, MeSH D030342.

gnomAD v4.1: 3 of 1,613,384 alleles (0.00019%); highest among the groups gnomAD compares: South Asian, 0.0011%; no homozygotes.

Submission:

Ambry Genetics
Classification: Uncertain significance for Inborn genetic diseases. Last evaluated: 2024-06-06. Review status: criteria provided, single submitter. Criteria: Ambry Variant Classification Scheme 2023. Collection method: clinical testing. Allele origin: germline.
Comment: The p.I1825V variant (also known as c.5473A>G), located in coding exon 37 of the LRRK2 gene, results from an A to G substitution at nucleotide position 5473. The isoleucine at codon 1825 is replaced by valine, an amino acid with highly similar properties. This amino acid position is conserved. In addition, this alteration is predicted to be tolerated by in silico analysis. Based on the available evidence, the clinical significance of this variant remains unclear.